The following is an entry in ClinVar:

ClinVar aggregate classification (germline): Uncertain significance. Review status: criteria provided, multiple submitters, no conflicts (2 of 4 stars). 4 submissions from 4 submitters: Uncertain significance (4). Last evaluated 2025-09-05.

Conditions:
Catecholaminergic polymorphic ventricular tachycardia (CVPT). Also called: Catecholamine-induced polymorphic ventricular tachycardia. Identifiers: Orphanet 3286, MedGen C5574922, MONDO:0017990.
Cardiomyopathy (CMYO). Also called: Cardiomyopathies. Identifiers: Orphanet 167848, MedGen C0878544, MONDO:0004994, HP:0001638. Inheritance: Various modes of inheritance.
Catecholaminergic polymorphic ventricular tachycardia 1. Also called: VENTRICULAR TACHYCARDIA, CATECHOLAMINERGIC POLYMORPHIC, 1, WITH OR WITHOUT ATRIAL DYSFUNCTION AND/OR DILATED CARDIOMYOPATHY; RYR2-Related Catecholaminergic Polymorphic Ventricular Tachycardia; VENTRICULAR TACHYCARDIA, STRESS-INDUCED POLYMORPHIC 1. Identifiers: Orphanet 3286, MedGen C1631597, MONDO:0011484, OMIM 604772.

Allele frequency attached by ClinVar (database versions not stated): TOPMed 0.00002.
gnomAD v4.1: 17 of 1,610,440 alleles (0.0011%); highest among the groups gnomAD compares: East Asian, 0.0022%; no homozygotes.

Submissions (4):

Labcorp Genetics (formerly Invitae), Labcorp
Classification: Uncertain significance for Catecholaminergic polymorphic ventricular tachycardia 1. Last evaluated: 2025-09-05. Review status: criteria provided, single submitter. Criteria: Invitae Variant Classification Sherloc (09022015). Collection method: clinical testing. Allele origin: germline.
Comment: This sequence change replaces arginine, which is basic and polar, with histidine, which is basic and polar, at codon 2931 of the RYR2 protein (p.Arg2931His). This variant is present in population databases (no rsID available, gnomAD 0.007%). This variant has not been reported in the literature in individuals affected with RYR2-related conditions. ClinVar contains an entry for this variant (Variation ID: 921590). Invitae Evidence Modeling of protein sequence and biophysical properties (such as structural, functional, and spatial information, amino acid conservation, physicochemical variation, residue mobility, and thermodynamic stability) indicates that this missense variant is not expected to disrupt RYR2 protein function with a negative predictive value of 95%. In summary, the available evidence is currently insufficient to determine the role of this variant in disease. Therefore, it has been classified as a Variant of Uncertain Significance.

All of Us Research Program, National Institutes of Health
Classification: Uncertain significance for Catecholaminergic polymorphic ventricular tachycardia. Last evaluated: 2024-05-14. Review status: criteria provided, single submitter. Criteria: ACMG Guidelines, 2015. Collection method: clinical testing. Allele origin: germline. Inheritance: Autosomal dominant inheritance. Observed: 4 variant alleles, 4 heterozygotes.
Comment: Variant of Uncertain Significance due to insufficient evidence: This missense variant is located in the cytoplasmic domain of the RYR2 protein. Computational prediction tools and conservation analyses are inconclusive regarding the impact of this variant on the protein function. Computational splicing tools suggest that this variant may not impact RNA splicing. To our knowledge, functional assays have not been performed for this variant nor has this variant been reported in individuals affected with cardiovascular disorders in the literature. This variant has been identified in 1/30936 chromosomes in the general population by the Genome Aggregation Database (gnomAD). Available evidence is insufficient to determine the pathogenicity of this variant conclusively.

This study involves interpretation of variants in research participants for the purpose of population health screening. Participant phenotype was not available at the time of variant classification. Additional details can be found in publication PMID: 35346344, PMCID: PMC8962531

Color Diagnostics, LLC DBA Color Health
Classification: Uncertain significance for Cardiomyopathy. Last evaluated: 2024-03-06. Review status: criteria provided, single submitter. Criteria: ACMG Guidelines, 2015. Collection method: clinical testing. Allele origin: germline.
Comment: This missense variant replaces arginine with histidine at codon 2931 of the RYR2 protein. Computational prediction suggests that this variant may not impact protein structure and function (internally defined REVEL score threshold <= 0.5, PMID: 27666373). To our knowledge, functional studies have not been reported for this variant. This variant has not been reported in individuals affected with RYR2-related disorders in the literature. This variant has been identified in 1/31382 chromosomes in the general population by the Genome Aggregation Database (gnomAD). The available evidence is insufficient to determine the role of this variant in disease conclusively. Therefore, this variant is classified as a Variant of Uncertain Significance.

GeneDx
Classification: Uncertain significance. Last evaluated: 2020-01-27. Review status: criteria provided, single submitter. Criteria: GeneDx Variant Classification Process June 2021. Collection method: clinical testing. Allele origin: germline. Affected: yes.
Comment: Not observed at a significant frequency in large population cohorts (Lek et al., 2016); In silico analysis, which includes protein predictors and evolutionary conservation, supports a deleterious effect; Has not been previously published as pathogenic or benign to our knowledge

NM_001035.3(RYR2):c.8792G>A (p.Arg2931His)

Gene: RYR2 (ryanodine receptor 2; plus strand). Cytogenetic location: 1q43.
Variant type: single nucleotide variant.
Coding change: c.8792G>A on transcript NM_001035.3 (MANE Select); coding-DNA position 8792, G replaced by A.
Protein change: p.Arg2931His; replaces arginine 2931 with histidine.
Molecular consequence: missense variant.
Genome position (GRCh38, 1-based): chr1:237,674,808, G>A. VCF-style: chr1-237674808-G-A. GRCh37 (hg19) VCF-style: chr1-237838108-G-A.
Other names: c.8792G>A (NM_001035.2); short protein forms R2931H.
Identifiers: ClinVar variation 921590 (VCV000921590.18), dbSNP rs905226907, ClinGen allele CA39819867.